The following is an entry in ClinVar:

NM_032977.4(CASP10):c.142C>T (p.Pro48Ser)

Gene: CASP10 (caspase 10; plus strand). Cytogenetic location: 2q33.1.
Variant type: single nucleotide variant.
Coding change: c.142C>T on transcript NM_032977.4 (MANE Select); coding-DNA position 142, C replaced by T.
Protein change: p.Pro48Ser; replaces proline 48 with serine.
Molecular consequence: missense variant.
Genome position (GRCh38, 1-based): chr2:201,185,919, C>T. VCF-style: chr2-201185919-C-T. GRCh37 (hg19) VCF-style: chr2-202050642-C-T.
Other names: c.142C>T, p.Pro48Ser (NM_001206524.2, NM_001206542.2, NM_001230.5 and 3 more transcripts); short protein forms P48S.
Identifiers: ClinVar variation 839357 (VCV000839357.13), dbSNP rs200012872, ClinGen allele CA2052782.

ClinVar aggregate classification (germline): Conflicting classifications of pathogenicity. Review status: criteria provided, conflicting classifications (1 of 4 stars). 4 submissions from 4 submitters: Uncertain significance (3); Likely benign (1). Last evaluated 2026-03-10.

Conditions:
CASP10-related disorder. Also called: CASP10-related condition.
Autoimmune lymphoproliferative syndrome type 2A (ALPS2A). Also called: CASP10-Related Autoimmune Lymphoproliferative Syndrome; AUTOIMMUNE LYMPHOPROLIFERATIVE SYNDROME, TYPE IIA; Autoimmune lymphoproliferative syndrome type 2. Identifiers: Orphanet 3261, MedGen C1858968, MONDO:0011383, OMIM 603909.

Allele frequency attached by ClinVar (database versions not stated): gnomAD 0.00001; TOPMed 0.00002; gnomAD exomes 0.00007 and 0.00012; ExAC 0.00010.
gnomAD v4.1: 97 of 1,614,076 alleles (0.006%); highest among the groups gnomAD compares: South Asian, 0.072%; 2 homozygotes.

Submissions (4):

PreventionGenetics, part of Exact Sciences
Classification: Uncertain significance for CASP10-related condition. Last evaluated: 2026-03-10. Review status: criteria provided, single submitter. Criteria: ACMG Guidelines, 2015. Collection method: clinical testing. Allele origin: germline.
Comment: The CASP10 c.142C>T variant is predicted to result in the amino acid substitution p.Pro48Ser. To our knowledge, this variant has not been reported in the literature. This variant is reported in 0.065% of alleles in individuals of South Asian descent in gnomAD. At this time, the clinical significance of this variant is uncertain due to the absence of conclusive functional and genetic evidence.

Labcorp Genetics (formerly Invitae), Labcorp
Classification: Uncertain significance for Autoimmune lymphoproliferative syndrome type 2A. Last evaluated: 2025-11-05. Review status: criteria provided, single submitter. Criteria: Invitae Variant Classification Sherloc (09022015). Collection method: clinical testing. Allele origin: germline.
Comment: This sequence change replaces proline, which is neutral and non-polar, with serine, which is neutral and polar, at codon 48 of the CASP10 protein (p.Pro48Ser). This variant is present in population databases (rs200012872, gnomAD 0.07%), and has an allele count higher than expected for a pathogenic variant. This variant has not been reported in the literature in individuals affected with CASP10-related conditions. ClinVar contains an entry for this variant (Variation ID: 839357). Invitae Evidence Modeling of protein sequence and biophysical properties (such as structural, functional, and spatial information, amino acid conservation, physicochemical variation, residue mobility, and thermodynamic stability) indicates that this missense variant is not expected to disrupt CASP10 protein function with a negative predictive value of 80%. In summary, the available evidence is currently insufficient to determine the role of this variant in disease. Therefore, it has been classified as a Variant of Uncertain Significance.

Blueprint Genetics
Classification: Likely benign. Last evaluated: 2024-02-26. Review status: criteria provided, single submitter. Criteria: ACMG Guidelines, 2015. Collection method: clinical testing. Allele origin: germline.

Department of Pathology and Laboratory Medicine, Sinai Health System
Classification: Uncertain significance for autoimmune lymphoproliferative syndrome type 2A. Last evaluated: 2022-04-06. Review status: criteria provided, single submitter. Criteria: ACMG Guidelines, 2015. Collection method: research. Allele origin: germline.